The following is an entry in ClinVar:

ClinVar aggregate classification (germline): Likely pathogenic (1 of 4 stars; one submission).

Submission:

Human Genetics Bochum, Ruhr University Bochum
Classification: Likely pathogenic. Last evaluated: 2023-04-05. Review status: criteria provided, single submitter. Criteria: ACMG Guidelines, 2015. Collection method: clinical testing. Allele origin: germline. Affected: yes.
Comment: ACMG criteria used to clasify this variant: PVS1, PM2_SUP, PM3_SUP

NM_019032.6(ADAMTSL4):c.2688del (p.Pro898fs)

Gene: ADAMTSL4 (ADAMTS like 4; plus strand). Cytogenetic location: 1q21.2.
Variant type: Deletion.
Coding change: c.2688del on transcript NM_019032.6 (MANE Select); coding-DNA position 2688, one base deleted (G; older notation c.2688delG).
Protein change: p.Pro898fs; shifts the reading frame from proline 898.
Molecular consequence: frameshift variant.
Genome position (GRCh38, 1-based): chr1:150,559,090, G deleted; the last of 2 consecutive G bases (chr1:150,559,089-150,559,090); deleting either gives the same sequence. VCF-style (leftmost placement, unchanged base first): chr1-150559088-CG-C. GRCh37 (hg19) VCF-style: chr1-150531564-CG-C.
Other names: c.2571del, p.Pro859fs (NM_001288607.2); c.2757del, p.Pro921fs (NM_001288608.2); c.2688del, p.Pro898fs (NM_001378596.1); short protein forms P859fs, P898fs, P921fs.
Identifiers: ClinVar variation 2583149 (VCV002583149.1), dbSNP rs2526780892, ClinGen allele CA2582342420.